The following is an entry in ClinVar:

NM_019076.5(UGT1A8):c.90A>G (p.Val30=)

Genes: UGT1A (UDP glucuronosyltransferase family 1 member A complex locus; plus strand), UGT1A8 (UDP glucuronosyltransferase family 1 member A8; plus strand). Cytogenetic location: 2q37.1.
Variant type: single nucleotide variant.
Coding change: c.90A>G on transcript NM_019076.5 (MANE Select); coding-DNA position 90, A replaced by G.
Protein change: p.Val30=; no amino-acid change (valine 30 retained).
Molecular consequence: synonymous variant.
Genome position (GRCh38, 1-based): chr2:233,617,797, A>G. VCF-style: chr2-233617797-A-G. GRCh37 (hg19) VCF-style: chr2-234526443-A-G.
Identifiers: ClinVar variation 4533879 (VCV004533879.6).

ClinVar aggregate classification (germline): Likely benign (1 of 4 stars; one submission).

gnomAD v4.1: 480 of 1,614,030 alleles (0.03%); highest among the groups gnomAD compares: Non-Finnish European, 0.035%; no homozygotes.

Submission:

CeGaT Center for Human Genetics Tuebingen
Classification: Likely benign. Last evaluated: 2025-11-01. Review status: criteria provided, single submitter. Criteria: CeGaT Center For Human Genetics Tuebingen Variant Classification Criteria Version 2. Collection method: clinical testing. Allele origin: germline. Affected: yes. Observed: 1 variant allele.
Comment: UGT1A8: BP4, BP7